The following is an entry in ClinVar:

NM_024665.7(TBL1XR1):c.1225C>G (p.Pro409Ala)

Gene: TBL1XR1 (TBL1X/Y related 1; minus strand). Cytogenetic location: 3q26.32.
Variant type: single nucleotide variant.
Coding change: c.1225C>G on transcript NM_024665.7 (MANE Select); coding-DNA position 1225, C replaced by G.
Protein change: p.Pro409Ala; replaces proline 409 with alanine.
Molecular consequence: missense variant.
Genome position (GRCh38, 1-based): chr3:177,034,223, G>C on the plus strand (C>G on the coding strand, the complement: TBL1XR1 is on the minus strand). VCF-style: chr3-177034223-G-C. GRCh37 (hg19) VCF-style: chr3-176752011-G-C.
Other names: c.1225C>G, p.Pro409Ala (NM_001321193.3, NM_001321194.3, NM_001374327.1 and 2 more transcripts); c.964C>G, p.Pro322Ala (NM_001321195.3, NM_001374330.1); short protein forms P322A, P409A.
Identifiers: ClinVar variation 1361535 (VCV001361535.8), dbSNP rs1008313618, ClinGen allele CA89087180.
Genomic context (GRCh38, chr3:177,034,223, plus strand): 5'-GACTCATAAAAGGAAAAATGAAACAGAAGTATCACCTTGCTAACATAAGGTTGGCATTTG[G>C]ATTATTAGTCCCTGGTCCTGTTGGACTCCATTTGATAGTATAAATTTCTTTATTATGTGC-3'
Protein context (NP_078941.2, residues 399-419): WSPTGPGTNN[Pro409Ala]NANLMLASAS

ClinVar aggregate classification (germline): Uncertain significance (1 of 4 stars; one submission).

Conditions:
Pierpont syndrome (PRPTS). Identifiers: Orphanet 487825, MedGen C1865644, MONDO:0011213, OMIM 602342.

Allele frequency attached by ClinVar (database versions not stated): gnomAD exomes below 0.00001; TOPMed 0.00001.

Submission:

Labcorp Genetics (formerly Invitae), Labcorp
Classification: Uncertain significance for Pierpont syndrome. Last evaluated: 2024-04-10. Review status: criteria provided, single submitter. Criteria: Invitae Variant Classification Sherloc (09022015). Collection method: clinical testing. Allele origin: germline.
Comment: This sequence change replaces proline, which is neutral and non-polar, with alanine, which is neutral and non-polar, at codon 409 of the TBL1XR1 protein (p.Pro409Ala). This variant is present in population databases (no rsID available, gnomAD 0.0009%). This variant has not been reported in the literature in individuals affected with TBL1XR1-related conditions. ClinVar contains an entry for this variant (Variation ID: 1361535). Advanced modeling of protein sequence and biophysical properties (such as structural, functional, and spatial information, amino acid conservation, physicochemical variation, residue mobility, and thermodynamic stability) performed at Invitae indicates that this missense variant is expected to disrupt TBL1XR1 protein function with a positive predictive value of 95%. In summary, the available evidence is currently insufficient to determine the role of this variant in disease. Therefore, it has been classified as a Variant of Uncertain Significance.